The following is an entry in ClinVar:

ClinVar aggregate classification (germline): Likely benign (0 of 4 stars; one submission).

Conditions:
NRXN3-related disorder. Also called: NRXN3-related condition.

Allele frequency attached by ClinVar (database versions not stated): gnomAD 0.00001; TOPMed 0.00002; ExAC 0.00004.
gnomAD v4.1: 27 of 1,613,672 alleles (0.0017%); highest among the groups gnomAD compares: Admixed American, 0.025%; no homozygotes.

Submission:

PreventionGenetics, part of Exact Sciences
Classification: Likely benign for NRXN3-related condition. Last evaluated: 2019-09-18. Review status: no assertion criteria provided. Collection method: clinical testing. Allele origin: germline.
Comment: This variant is classified as likely benign based on ACMG/AMP sequence variant interpretation guidelines (Richards et al. 2015 PMID: 25741868, with internal and published modifications).

NM_001330195.2(NRXN3):c.3357C>T (p.Ala1119=)

Gene: NRXN3 (neurexin 3; plus strand). Cytogenetic location: 14q31.1.
Variant type: single nucleotide variant.
Coding change: c.3357C>T on transcript NM_001330195.2 (MANE Select); coding-DNA position 3357, C replaced by T.
Protein change: p.Ala1119=; no amino-acid change (alanine 1119 retained).
Molecular consequence: synonymous variant. On other transcripts: non-coding transcript variant (5).
Genome position (GRCh38, 1-based): chr14:79,467,315, C>T. VCF-style: chr14-79467315-C-T. GRCh37 (hg19) VCF-style: chr14-79933658-C-T.
Other names: c.342C>T, p.Ala114= (NM_001105250.3, NM_001272020.2, NM_138970.5); c.3357C>T, p.Ala1119= (NM_001366425.1); c.3369C>T, p.Ala1123= (NM_001366426.1); c.2238C>T, p.Ala746= (NM_004796.6).
Identifiers: ClinVar variation 3040328 (VCV003040328.2), dbSNP rs778188448, ClinGen allele CA7292237.